The following is an entry in ClinVar:

ClinVar aggregate classification (germline): Uncertain significance (1 of 4 stars; one submission).

Submission:

Labcorp Genetics (formerly Invitae), Labcorp
Classification: Uncertain significance. Last evaluated: 2021-11-05. Review status: criteria provided, single submitter. Criteria: Invitae Variant Classification Sherloc (09022015). Collection method: clinical testing. Allele origin: germline.
Comment: This sequence change replaces proline, which is neutral and non-polar, with arginine, which is basic and polar, at codon 2017 of the COL7A1 protein (p.Pro2017Arg). This variant is not present in population databases (gnomAD no frequency). This variant has not been reported in the literature in individuals affected with COL7A1-related conditions. Advanced modeling of protein sequence and biophysical properties (such as structural, functional, and spatial information, amino acid conservation, physicochemical variation, residue mobility, and thermodynamic stability) performed at Invitae indicates that this missense variant is not expected to disrupt COL7A1 protein function. In summary, the available evidence is currently insufficient to determine the role of this variant in disease. Therefore, it has been classified as a Variant of Uncertain Significance.

NM_000094.4(COL7A1):c.6050C>G (p.Pro2017Arg)

Gene: COL7A1 (collagen type VII alpha 1 chain; minus strand). Cytogenetic location: 3p21.31.
Variant type: single nucleotide variant.
Coding change: c.6050C>G on transcript NM_000094.4 (MANE Select); coding-DNA position 6050, C replaced by G.
Protein change: p.Pro2017Arg; replaces proline 2017 with arginine.
Molecular consequence: missense variant.
Genome position (GRCh38, 1-based): chr3:48,575,469, G>C on the plus strand (C>G on the coding strand, the complement: COL7A1 is on the minus strand). VCF-style: chr3-48575469-G-C. GRCh37 (hg19) VCF-style: chr3-48612902-G-C.
Other names: short protein forms P2017R.
Identifiers: ClinVar variation 1496668 (VCV001496668.6), dbSNP rs1402124316, ClinGen allele CA352663610.